The following is an entry in ClinVar:

NM_000501.4(ELN):c.1672G>A (p.Gly558Ser)

Genes: ELN (elastin; plus strand), ELN-AS1 (ELN antisense RNA 1; minus strand). Cytogenetic location: 7q11.23.
Variant type: single nucleotide variant.
Coding change: c.1672G>A on transcript NM_000501.4 (MANE Select); coding-DNA position 1672, G replaced by A.
Protein change: p.Gly558Ser; replaces glycine 558 with serine.
Molecular consequence: missense variant.
Genome position (GRCh38, 1-based): chr7:74,060,426, G>A. VCF-style: chr7-74060426-G-A. GRCh37 (hg19) VCF-style: chr7-73474756-G-A.
Other names: c.1585G>A, p.Gly529Ser (NM_001081752.3); c.1630G>A, p.Gly544Ser (NM_001081753.3); c.1687G>A, p.Gly563Ser (NM_001081754.3); c.1615G>A, p.Gly539Ser (NM_001081755.3); c.1672G>A, p.Gly558Ser (NM_001278912.2); c.1429G>A, p.Gly477Ser (NM_001278913.2); c.1600G>A, p.Gly534Ser (NM_001278914.2); c.1690G>A, p.Gly564Ser (NM_001278915.2); and 4 more; short protein forms G469S, G477S, G510S, G529S, G534S, G539S, G544S, G548S.
Identifiers: ClinVar variation 3731517 (VCV003731517.3).

ClinVar aggregate classification (germline): Uncertain significance. Review status: criteria provided, multiple submitters, no conflicts (2 of 4 stars). 3 submissions from 3 submitters: Uncertain significance (3). Last evaluated 2026-09-01.

Conditions:
Cutis laxa, autosomal dominant 1 (ADCL1). Also called: ELN-Related Cutis Laxa. Identifiers: Orphanet 90348, MedGen C3276539, MONDO:0007411, OMIM 123700. Disease mechanism: Dominant Negative.

gnomAD v4.1: 9 of 1,614,054 alleles (0.00056%); highest among the groups gnomAD compares: East Asian, 0.0045%; no homozygotes.

Submissions (3):

CeGaT Center for Human Genetics Tuebingen
Classification: Uncertain significance. Last evaluated: 2026-09-01. Review status: criteria provided, single submitter. Criteria: CeGaT Center For Human Genetics Tuebingen Variant Classification Criteria Version 2. Collection method: clinical testing. Allele origin: germline. Affected: yes. Observed: 1 variant allele.
Comment: ELN: PM2

Blueprint Genetics
Classification: Uncertain significance. Last evaluated: 2022-08-18. Review status: criteria provided, single submitter. Criteria: ACMG Guidelines, 2015. Collection method: clinical testing. Allele origin: germline.

Neuberg Centre For Genomic Medicine, NCGM
Classification: Uncertain significance for Cutis laxa, autosomal dominant 1. Review status: criteria provided, single submitter. Criteria: ACMG Guidelines, 2015. Collection method: clinical testing. Allele origin: germline. Inheritance: Autosomal dominant inheritance. Affected: yes.
Comment: The missense c.1672G>A (p.Gly558Ser) variant in the ELN gene has not been reported previously as a pathogenic variant nor as a benign variant, to our knowledge. This variant is reported with the allele frequency (0.001%) in the gnomAD Exomes. The amino acid Glycine at position 558 is changed to a Serine changing protein sequence and it might alter its composition and physico-chemical properties. Multiple lines of computational evidence (Polyphen - Damaging, SIFT – Damaging and MutationTaster - Disease causing) predict a damaging effect on protein structure and function for this variant. The amino acid Glycine in ELN is predicted as conserved by GERP++ and PhyloP across 100 vertebrates. For these reasons, this variant has been classified as Uncertain Significance.